The following is an entry in ClinVar:

ClinVar aggregate classification (germline): Uncertain significance (1 of 4 stars; one submission).

Conditions:
Hereditary cancer-predisposing syndrome. Also called: Neoplastic Syndromes, Hereditary; Tumor predisposition; Hereditary Cancer Syndrome; Hereditary neoplastic syndrome. Identifiers: Orphanet 140162, MedGen C0027672, MeSH D009386, MONDO:0015356.

Submission:

Ambry Genetics
Classification: Uncertain significance for Hereditary cancer-predisposing syndrome. Last evaluated: 2026-06-02. Review status: criteria provided, single submitter. Criteria: Ambry Variant Classification Scheme 2023. Collection method: clinical testing. Allele origin: germline.
Comment: The p.S1014R variant (also known as c.3040A>C), located in coding exon 26 of the TSC2 gene, results from an A to C substitution at nucleotide position 3040. The serine at codon 1014 is replaced by arginine, an amino acid with dissimilar properties. This amino acid position is conserved. In addition, the in silico prediction for this alteration is inconclusive. Based on the available evidence, the clinical significance of this variant remains unclear.

NM_000548.5(TSC2):c.3040A>C (p.Ser1014Arg)

Gene: TSC2 (TSC complex subunit 2; plus strand). Cytogenetic location: 16p13.3.
Variant type: single nucleotide variant.
Coding change: c.3040A>C on transcript NM_000548.5 (MANE Select); coding-DNA position 3040, A replaced by C.
Protein change: p.Ser1014Arg; replaces serine 1014 with arginine.
Molecular consequence: missense variant. On other transcripts: non-coding transcript variant (5).
Genome position (GRCh38, 1-based): chr16:2,079,105, A>C. VCF-style: chr16-2079105-A-C. GRCh37 (hg19) VCF-style: chr16-2129106-A-C.
Other names: c.2311A>C, p.Ser771Arg (NM_001406685.1, NM_001406686.1); c.2308A>C, p.Ser770Arg (NM_001406687.1, NM_001406688.1, NM_001318831.2); c.1696A>C, p.Ser566Arg (NM_001406689.1); c.1567A>C, p.Ser523Arg (NM_001406690.1, NM_001406692.1, NM_001406693.1 and 1 more transcripts); c.1564A>C, p.Ser522Arg (NM_001406691.1, NM_001406695.1, NM_001406696.1 and 1 more transcripts); c.1306A>C, p.Ser436Arg (NM_001406698.1); c.2911A>C, p.Ser971Arg (NM_021055.3, NM_001363528.2, NM_001370405.1); c.2893A>C, p.Ser965Arg (NM_001406675.1); and 18 more; short protein forms S1000R, S1001R, S1013R, S1014R, S436R, S522R, S523R, S566R.
Identifiers: ClinVar variation 4866133 (VCV004866133.1).